The following is an entry in ClinVar:

NM_000384.3(APOB):c.4585G>A (p.Gly1529Ser)

Gene: APOB (apolipoprotein B; minus strand). Cytogenetic location: 2p24.1.
Variant type: single nucleotide variant.
Coding change: c.4585G>A on transcript NM_000384.3 (MANE Select); coding-DNA position 4585, G replaced by A.
Protein change: p.Gly1529Ser; replaces glycine 1529 with serine.
Molecular consequence: missense variant.
Genome position (GRCh38, 1-based): chr2:21,012,283, C>T on the plus strand (G>A on the coding strand, the complement: APOB is on the minus strand). VCF-style: chr2-21012283-C-T. GRCh37 (hg19) VCF-style: chr2-21235155-C-T.
Other names: short protein forms G1529S.
Identifiers: ClinVar variation 3416367 (VCV003416367.1).
Genomic context (GRCh38, chr2:21,012,283, plus strand): 5'-CAGAGGTGGAGGTGAGGGAGAGGGTTCCATCTTCATATCTTCCTGTTATCTGGTTGGTGC[C>T]TTGGAGGTAGGAGGAGTTAAACCTCAGGTTGGACTCTCCATTGAGCCGGCCAGTGTTAGG-3'
Protein context (NP_000375.3, residues 1519-1539): NLRFNSSYLQ[Gly1529Ser]TNQITGRYED

ClinVar aggregate classification (germline): Uncertain significance (1 of 4 stars; one submission).

Conditions:
Cardiovascular phenotype. Identifiers: MedGen CN230736.

gnomAD v4.1: 5 of 1,613,982 alleles (0.00031%); highest among the groups gnomAD compares: African/African-American, 0.0053%; no homozygotes.

Submission:

Ambry Genetics
Classification: Uncertain significance for Cardiovascular phenotype. Last evaluated: 2024-11-05. Review status: criteria provided, single submitter. Criteria: Ambry Variant Classification Scheme 2023. Collection method: clinical testing. Allele origin: germline.
Comment: The p.G1529S variant (also known as c.4585G>A), located in coding exon 26 of the APOB gene, results from a G to A substitution at nucleotide position 4585. The glycine at codon 1529 is replaced by serine, an amino acid with similar properties. This amino acid position is conserved. In addition, this alteration is predicted to be tolerated by in silico analysis. Based on the available evidence, the clinical significance of this variant remains unclear.